The following is an entry in ClinVar:

ClinVar aggregate classification (germline): Uncertain significance. Review status: criteria provided, multiple submitters, no conflicts (2 of 4 stars). 2 submissions from 2 submitters: Uncertain significance (2). Last evaluated 2025-09-15.

Conditions:
Inborn genetic diseases. Identifiers: MedGen C0950123, MeSH D030342.
Brachyolmia-amelogenesis imperfecta syndrome. Also called: PLATYSPONDYLY WITH AMELOGENESIS IMPERFECTA; Tooth agenesis, selective, 6; Dental anomalies and short stature. Identifiers: Orphanet 2899, MedGen C1832594, MONDO:0011018, OMIM 601216. Disease mechanism: loss of function.

Allele frequency attached by ClinVar (database versions not stated): TOPMed below 0.00001; gnomAD exomes 0.00001; gnomAD 0.00003; ExAC 0.00005.
gnomAD v4.1: 15 of 1,547,620 alleles (0.00097%); highest among the groups gnomAD compares: East Asian, 0.0049%; no homozygotes.

Submissions (2):

Labcorp Genetics (formerly Invitae), Labcorp
Classification: Uncertain significance for Brachyolmia-amelogenesis imperfecta syndrome. Last evaluated: 2025-09-15. Review status: criteria provided, single submitter. Criteria: Invitae Variant Classification Sherloc (09022015). Collection method: clinical testing. Allele origin: germline.
Comment: This sequence change replaces serine, which is neutral and polar, with proline, which is neutral and non-polar, at codon 544 of the LTBP3 protein (p.Ser544Pro). This variant is present in population databases (rs780162488, gnomAD 0.005%). This variant has not been reported in the literature in individuals affected with LTBP3-related conditions. ClinVar contains an entry for this variant (Variation ID: 1949872). An algorithm developed to predict the effect of missense changes on protein structure and function (PolyPhen-2) suggests that this variant is likely to be tolerated. In summary, the available evidence is currently insufficient to determine the role of this variant in disease. Therefore, it has been classified as a Variant of Uncertain Significance.

Ambry Genetics
Classification: Uncertain significance for Inborn genetic diseases. Last evaluated: 2024-05-13. Review status: criteria provided, single submitter. Criteria: Ambry Variant Classification Scheme 2023. Collection method: clinical testing. Allele origin: germline.

NM_001130144.3(LTBP3):c.1630T>C (p.Ser544Pro)

Gene: LTBP3 (latent transforming growth factor beta binding protein 3; minus strand). Cytogenetic location: 11q13.1.
Variant type: single nucleotide variant.
Coding change: c.1630T>C on transcript NM_001130144.3 (MANE Select); coding-DNA position 1630, T replaced by C.
Protein change: p.Ser544Pro; replaces serine 544 with proline.
Molecular consequence: missense variant.
Genome position (GRCh38, 1-based): chr11:65,551,216, A>G on the plus strand (T>C on the coding strand, the complement: LTBP3 is on the minus strand). VCF-style: chr11-65551216-A-G. GRCh37 (hg19) VCF-style: chr11-65318687-A-G.
Other names: c.1279T>C, p.Ser427Pro (NM_001164266.1); c.1630T>C, p.Ser544Pro (NM_021070.4); c.1630T>C (NM_001130144.2); short protein forms S427P, S544P.
Identifiers: ClinVar variation 1949872 (VCV001949872.6), dbSNP rs780162488, ClinGen allele CA6100900.